The following is an entry in ClinVar:

NM_004006.3(DMD):c.358-551_369delinsTTCTTTTCAGTTCAGCCAATAAATATAGCTTGCGTTAAATGATGGTATGAAATGATGGT

Gene: DMD (dystrophin; minus strand). Cytogenetic location: Xp21.1.
Variant type: Indel.
Coding change: c.358-551_369delinsTTCTTTTCAGTTCAGCCAATAAATATAGCTTGCGTTAAATGATGGTATGAAATGATGGT on transcript NM_004006.3 (MANE Select); 551 bases into the intron before coding-DNA position 358 through coding-DNA position 369, the reference bases replaced by an inserted sequence.
Molecular consequence: splice acceptor variant.
Genome position (GRCh38, 1-based): chrX:32,816,629-32,817,191, 563 bases replaced. GRCh37 (hg19): chrX:32,834,746-32,835,308.
Other names: c.334-551_345delinsTTCTTTTCAGTTCAGCCAATAAATATAGCTTGCGTTAAATGATGGTATGAAATGATGGT (NM_000109.4); c.346-551_357delinsTTCTTTTCAGTTCAGCCAATAAATATAGCTTGCGTTAAATGATGGTATGAAATGATGGT (NM_004009.3); c.-12-551_-1delinsTTCTTTTCAGTTCAGCCAATAAATATAGCTTGCGTTAAATGATGGTATGAAATGATGGT (NM_004010.3).
Identifiers: ClinVar variation 1505635 (VCV001505635.6), dbSNP rs2148807947, ClinGen allele CA2573158595.

ClinVar aggregate classification (germline): Likely pathogenic (1 of 4 stars; one submission).

Conditions:
Duchenne muscular dystrophy (DMD). Also called: Duchenne Muscular Dystrophy (DMD); MUSCULAR DYSTROPHY, PSEUDOHYPERTROPHIC PROGRESSIVE, DUCHENNE TYPE. Identifiers: Orphanet 98896, MedGen C0013264, MONDO:0010679, OMIM 310200.

Submission:

Labcorp Genetics (formerly Invitae), Labcorp
Classification: Likely pathogenic for Duchenne muscular dystrophy. Last evaluated: 2021-11-09. Review status: criteria provided, single submitter. Criteria: Invitae Variant Classification Sherloc (09022015). Collection method: clinical testing. Allele origin: germline.
Comment: This variant results in the deletion of part of exon 6 (c.358-551_369delins59) of the DMD gene. It is expected to disrupt RNA splicing. Variants that disrupt the donor or acceptor splice site typically lead to a loss of protein function (PMID: 16199547), and loss-of-function variants in DMD are known to be pathogenic (PMID: 16770791, 25007885). This variant is not present in population databases (gnomAD no frequency). This variant has not been reported in the literature in individuals affected with DMD-related conditions. Algorithms developed to predict the effect of sequence changes on RNA splicing suggest that this variant may create or strengthen a splice site. In summary, the currently available evidence indicates that the variant is pathogenic, but additional data are needed to prove that conclusively. Therefore, this variant has been classified as Likely Pathogenic.

Literature cited by the submitters: PubMed 16199547; PubMed 16770791; PubMed 25007885.